The following is an entry in ClinVar:

NM_006736.6(DNAJB2):c.929G>C (p.Arg310Pro)

Gene: DNAJB2 (DnaJ heat shock protein family (Hsp40) member B2; plus strand). Cytogenetic location: 2q35.
Variant type: single nucleotide variant.
Coding change: c.929G>C on transcript NM_006736.6 (MANE Select); coding-DNA position 929, G replaced by C.
Protein change: p.Arg310Pro; replaces arginine 310 with proline.
Molecular consequence: missense variant. On other transcripts: intron variant (1).
Genome position (GRCh38, 1-based): chr2:219,284,941, G>C. VCF-style: chr2-219284941-G-C. GRCh37 (hg19) VCF-style: chr2-220149663-G-C.
Other names: c.823+106G>C (NM_001039550.2); short protein forms R310P.
Identifiers: ClinVar variation 4996361 (VCV004996361.1).

ClinVar aggregate classification (germline): Likely benign (1 of 4 stars; one submission).

Conditions:
DNAJB2-related disorder. Also called: DNAJB2-related condition.

gnomAD v4.1: 107 of 1,561,076 alleles (0.0069%); highest among the groups gnomAD compares: Admixed American, 0.19%; no homozygotes.

Submission:

PreventionGenetics, part of Exact Sciences
Classification: Likely benign for DNAJB2-related condition. Last evaluated: 2026-01-06. Review status: criteria provided, single submitter. Criteria: ACMG Guidelines, 2015. Collection method: clinical testing. Allele origin: germline.
Comment: This variant is classified as likely benign based on ACMG/AMP sequence variant interpretation guidelines (Richards et al. 2015 PMID: 25741868, with internal and published modifications).